The following is an entry in ClinVar:

ClinVar aggregate classification (germline): Uncertain significance. Review status: criteria provided, multiple submitters, no conflicts (2 of 4 stars). 4 submissions from 4 submitters: Uncertain significance (3). 1 of the submissions does not count toward it. Last evaluated 2026-06-29.

Conditions:
Usher syndrome type 1C. Also called: USHER SYNDROME, TYPE I, ACADIAN VARIETY. Identifiers: Orphanet 231169, Orphanet 886, MedGen C1848604, MONDO:0010171, OMIM 276904.
USH1C-related disorder. Also called: USH1C-related condition.

Allele frequency attached by ClinVar (database versions not stated): gnomAD 0.00001; gnomAD exomes 0.00001 and 0.00002; TOPMed 0.00001.
gnomAD v4.1: 32 of 1,613,880 alleles (0.002%); highest among the groups gnomAD compares: African/African-American, 0.0053%; no homozygotes.

Submissions (4):

PreventionGenetics, part of Exact Sciences
Classification: Uncertain significance for USH1C-related condition. Last evaluated: 2026-06-29. Review status: criteria provided, single submitter. Criteria: ACMG Guidelines, 2015. Collection method: clinical testing. Allele origin: germline.
Comment: The USH1C c.164G>A variant is predicted to result in the amino acid substitution p.Arg55His. To our knowledge, this variant has not been reported in the literature. This variant is reported in 0.0033% of alleles in individuals of South Asian descent in gnomAD. At this time, the clinical significance of this variant is uncertain due to the absence of conclusive functional and genetic evidence.

Illumina Laboratory Services, Illumina
Classification: Uncertain significance for Usher syndrome type 1C. Last evaluated: 2018-01-13. Review status: criteria provided, single submitter. Criteria: ICSL Variant Classification Criteria 13 December 2019. Collection method: clinical testing. Allele origin: germline.

Laboratory for Molecular Medicine, Mass General Brigham Personalized Medicine
Classification: Uncertain significance. Last evaluated: 2016-06-09. Review status: criteria provided, single submitter. Criteria: LMM Criteria. Collection method: clinical testing. Allele origin: germline. Observed: 2 variant alleles.
Comment: The p.Arg55His variant in USH1C has not been previously reported in individuals with hearing loss or Usher syndrome, or in large population studies. Computatio nal prediction tools and conservation analyses suggest that this variant may imp act the protein, though this information is not predictive enough to determine p athogenicity. In summary, the clinical significance of the p.Arg55His variant i s uncertain.

Natera, Inc.
Classification: Uncertain significance for Usher syndrome type 1C. Last evaluated: 2020-04-11. Review status: no assertion criteria provided. Collection method: clinical testing. Allele origin: germline. Not counted in ClinVar's aggregate classification.

NM_153676.4(USH1C):c.164G>A (p.Arg55His)

Gene: USH1C (USH1 protein network component harmonin; minus strand). Cytogenetic location: 11p15.1.
Variant type: single nucleotide variant.
Coding change: c.164G>A on transcript NM_153676.4 (MANE Select); coding-DNA position 164, G replaced by A.
Protein change: p.Arg55His; replaces arginine 55 with histidine.
Molecular consequence: missense variant. On other transcripts: non-coding transcript variant (1).
Genome position (GRCh38, 1-based): chr11:17,531,483, C>T on the plus strand (G>A on the coding strand, the complement: USH1C is on the minus strand). VCF-style: chr11-17531483-C-T. GRCh37 (hg19) VCF-style: chr11-17553030-C-T.
Other names: c.164G>A, p.Arg55His (NM_001297764.2, NM_005709.4); short protein forms R55H.
Identifiers: ClinVar variation 505086 (VCV000505086.11), dbSNP rs1042393529, ClinGen allele CA218465335.